The following is an entry in ClinVar:

NM_000330.4(RS1):c.554C>T (p.Thr185Met)

Genes: CDKL5 (cyclin dependent kinase like 5; plus strand), RS1 (retinoschisin 1; minus strand). Cytogenetic location: Xp22.13.
Variant type: single nucleotide variant.
Coding change: c.554C>T on transcript NM_000330.4 (MANE Select); coding-DNA position 554, C replaced by T.
Protein change: p.Thr185Met; replaces threonine 185 with methionine.
Molecular consequence: missense variant. On other transcripts: intron variant (2).
Genome position (GRCh38, 1-based): chrX:18,642,125, G>A on the plus strand (C>T on the coding strand, the complement: RS1 is on the minus strand). VCF-style: chrX-18642125-G-A. GRCh37 (hg19) VCF-style: chrX-18660245-G-A.
Other names: NM_000330.4(RS1):c.554C>T; p.Thr185Met; c.2714-3882G>A (NM_003159.3, NM_001037343.2); short protein forms T185M.
Identifiers: ClinVar variation 98988 (VCV000098988.9), dbSNP rs61753173, ClinGen allele CA226781.

ClinVar aggregate classification (germline): Uncertain significance. Review status: reviewed by expert panel (3 of 4 stars). 4 submissions from 4 submitters: Uncertain significance (1). 3 of the submissions do not count toward it. Last evaluated 2025-09-23.

Conditions:
Juvenile retinoschisis (RS1). Also called: X-Linked Juvenile Retinoschisis; X-linked retinoschisis. Identifiers: Orphanet 792, MedGen C3714753, MONDO:0010725, OMIM 312700.

Allele frequency attached by ClinVar (database versions not stated): ExAC 0.00001; gnomAD exomes 0.00001; TOPMed 0.00001.
gnomAD v4.1: 8 of 1,211,890 alleles (0.00066%); highest among the groups gnomAD compares: East Asian, 0.0059%; no homozygotes.

Submissions (4):

ClinGen X-linked Inherited Retinal Disease Variant Curation Expert Panel, ClinGen
Classification: Uncertain significance for Juvenile retinoschisis. Last evaluated: 2025-09-23. Review status: reviewed by expert panel. Criteria: ClinGen X LinkedIRD ACMG Specifications RS1 V1.0.0. Collection method: curation. Allele origin: germline. Inheritance: X-linked inheritance.
Comment: NM_000330.4(RS1):c.554C>T (p.Thr185Met) is a missense variant encoding the substitution of threonine with methionine at amino acid 185. This variant is present in gnomAD v.4.1.0 at a frequency of 0.00001101 among hemizygous individuals, with 4 variant alleles / 399,408 total alleles, which is higher than the ClinGen X-linked IRD VCEP PM2_Supporting threshold of <0.000002 and lower than the BS1 threshold of >0.00002 and fails to meet either criterion. However, PS4_Supporting requires at least 2 unrelated probands, so this criterion was not met. The proband exhibits a phenotype including reduced visual acuity and foveo-lamellar schisis in the inner and outer nuclear layer, however, the age of onset does not meet the requirement to establish specificity to X-linked retinoschisis (PMID: 33124204), so PP4 is not met. The variant has been reported to segregate through 1 meiosis in a family with a mother and an affected son, however, the mother is unaffected so PP1 is not met (PMID: 33124204). The computational predictor REVEL gives a score of 0.733, which is within the ClinGen X-linked IRD VCEP range between 0.772 to 0.644 and predicts a damaging effect on RS1 function (PP3). The computational splicing predictor SpliceAI gives a delta score of 0.00 for all predictive splice changes, which is below the ClinGen X-linked IRD VCEP threshold of >0.2 and does not predict that the variant disrupts RS1 splicing. In summary, this variant is classified as a variant of uncertain significance for X-linked retinoschisis based on the ClinGen X-linked Inherited Retinal Disease Expert Panel Specifications to the ACMG/AMP Variant Interpretation Guidelines for RS1 Version 1.0.0: PP3.

Women's Health and Genetics/Laboratory Corporation of America, LabCorp
Classification: Likely pathogenic for Juvenile retinoschisis. Last evaluated: 2025-05-23. Review status: criteria provided, single submitter. Criteria: LabCorp Variant Classification Summary - May 2015. Collection method: clinical testing. Allele origin: germline. Not counted in ClinVar's aggregate classification.
Comment: Variant summary: RS1 c.554C>T (p.Thr185Met) results in a non-conservative amino acid change located in the Coagulation factor 5/8 C-terminal domain (IPR000421) of the encoded protein sequence. Algorithms developed to predict the effect of missense changes on protein structure and function all suggest that this variant is likely to be disruptive. The variant allele was found at a frequency of 5.5e-06 in 182758 control chromosomes. c.554C>T has been reported in the literature in at-least two individuals affected with Juvenile Retinoschisis (Gao_2021, Mano_2022, Xiao_2023). These data indicate that the variant may be associated with disease. To our knowledge, no experimental evidence demonstrating an impact on protein function has been reported. The following publications have been ascertained in the context of this evaluation (PMID: 33124204, 34991515, 34645606). ClinVar contains an entry for this variant (Variation ID: 98988). Based on the evidence outlined above, the variant was classified as likely pathogenic.

Labcorp Genetics (formerly Invitae), Labcorp
Classification: Pathogenic. Last evaluated: 2025-03-10. Review status: criteria provided, single submitter. Criteria: Invitae Variant Classification Sherloc (09022015). Collection method: clinical testing. Allele origin: germline. Not counted in ClinVar's aggregate classification.
Comment: This sequence change replaces threonine, which is neutral and polar, with methionine, which is neutral and non-polar, at codon 185 of the RS1 protein (p.Thr185Met). This variant is present in population databases (rs61753173, gnomAD 0.005%). This missense change has been observed in individual(s) with retinoschisis (PMID: 33124204, 34991515). ClinVar contains an entry for this variant (Variation ID: 98988). Invitae Evidence Modeling of protein sequence and biophysical properties (such as structural, functional, and spatial information, amino acid conservation, physicochemical variation, residue mobility, and thermodynamic stability) indicates that this missense variant is expected to disrupt RS1 protein function with a positive predictive value of 95%. This variant disrupts the p.Thr185 amino acid residue in RS1. Other variant(s) that disrupt this residue have been determined to be pathogenic (PMID: 10234514, 17525175, 28348004). This suggests that this residue is clinically significant, and that variants that disrupt this residue are likely to be disease-causing. For these reasons, this variant has been classified as Pathogenic.

Retina International
No classification provided. Review status: no classification provided. Collection method: not provided. Allele origin: unknown. Not counted in ClinVar's aggregate classification.

Literature cited by the submitters: PubMed 33124204 (cited by Women's Health and Genetics/Laboratory Corporation of America, LabCorp and Labcorp Genetics (formerly Invitae), Labcorp); PubMed 34991515 (cited by Women's Health and Genetics/Laboratory Corporation of America, LabCorp and Labcorp Genetics (formerly Invitae), Labcorp); PubMed 34645606 (cited by Women's Health and Genetics/Laboratory Corporation of America, LabCorp); PubMed 10234514 (cited by Labcorp Genetics (formerly Invitae), Labcorp); PubMed 17525175 (cited by Labcorp Genetics (formerly Invitae), Labcorp); PubMed 28348004 (cited by Labcorp Genetics (formerly Invitae), Labcorp).